The following is an entry in ClinVar:

ClinVar aggregate classification (germline): Pathogenic. Review status: criteria provided, multiple submitters, no conflicts (2 of 4 stars). 4 submissions from 4 submitters: Pathogenic (3). 1 of the submissions does not count toward it. Last evaluated 2024-04-11.

Conditions:
ACTA1 gene related myopathy.
Actin accumulation myopathy (CMYO2A). Also called: Nemaline myopathy type 3; CONGENITAL MYOPATHY 2A, TYPICAL, AUTOSOMAL DOMINANT; Myopathy, actin, congenital, with cores; Nemaline myopathy 3, with intranuclear rods; Myopathy, actin, congenital, with excess of thin myofilaments. Identifiers: Orphanet 98904, MedGen C3711389, MONDO:0008070, OMIM 161800.

Submissions (4):

GeneDx
Classification: Pathogenic. Last evaluated: 2024-04-11. Review status: criteria provided, single submitter. Criteria: GeneDx Variant Classification Process June 2021. Collection method: clinical testing. Allele origin: germline. Affected: yes.
Comment: Missense variants in this gene are often considered pathogenic (HGMD); Not observed at significant frequency in large population cohorts (gnomAD); In silico analysis supports that this missense variant has a deleterious effect on protein structure/function; This variant is associated with the following publications: (PMID: 19562689)

Labcorp Genetics (formerly Invitae), Labcorp
Classification: Pathogenic for Actin accumulation myopathy. Last evaluated: 2024-02-18. Review status: criteria provided, single submitter. Criteria: Invitae Variant Classification Sherloc (09022015). Collection method: clinical testing. Allele origin: germline.
Comment: This sequence change replaces glycine, which is neutral and non-polar, with arginine, which is basic and polar, at codon 247 of the ACTA1 protein (p.Gly247Arg). This variant is not present in population databases (gnomAD no frequency). This missense change has been observed in individual(s) with clinical features of congenital myopathy or fetal akinesia (PMID: 19562689, 31680123; Invitae). In at least one individual the variant was observed to be de novo. ClinVar contains an entry for this variant (Variation ID: 381639). Advanced modeling of protein sequence and biophysical properties (such as structural, functional, and spatial information, amino acid conservation, physicochemical variation, residue mobility, and thermodynamic stability) has been performed at Invitae for this missense variant, however the output from this modeling did not meet the statistical confidence thresholds required to predict the impact of this variant on ACTA1 protein function. For these reasons, this variant has been classified as Pathogenic.

CeGaT Center for Human Genetics Tuebingen
Classification: Pathogenic. Last evaluated: 2018-01-01. Review status: criteria provided, single submitter. Criteria: CeGaT Center For Human Genetics Tuebingen Variant Classification Criteria Version 2. Collection method: clinical testing. Allele origin: germline. Affected: yes. Observed: 1 variant allele.

Department of Rehabilitation Medicine, Incheon St. Mary’s Hospital, College of Medicine, The Catholic University of Korea
Classification: Likely pathogenic for Actin accumulation myopathy; ACTA1 gene related myopathy. Last evaluated: 2019-02-11. Review status: no assertion criteria provided. Collection method: research. Allele origin: unknown. Inheritance: Autosomal dominant inheritance. Affected: yes. Observed: 1 heterozygote. Not counted in ClinVar's aggregate classification.

Literature cited by the submitters: PubMed 19562689 (cited by Labcorp Genetics (formerly Invitae), Labcorp); PubMed 31680123 (cited by Labcorp Genetics (formerly Invitae), Labcorp).

NM_001100.4(ACTA1):c.739G>C (p.Gly247Arg)

Gene: ACTA1 (actin alpha 1, skeletal muscle; minus strand). Cytogenetic location: 1q42.13.
Variant type: single nucleotide variant.
Coding change: c.739G>C on transcript NM_001100.4 (MANE Select); coding-DNA position 739, G replaced by C.
Protein change: p.Gly247Arg; replaces glycine 247 with arginine.
Molecular consequence: missense variant.
Genome position (GRCh38, 1-based): chr1:229,432,063, C>G on the plus strand (G>C on the coding strand, the complement: ACTA1 is on the minus strand). VCF-style: chr1-229432063-C-G. GRCh37 (hg19) VCF-style: chr1-229567810-C-G.
Other names: short protein forms G247R.
Identifiers: ClinVar variation 381639 (VCV000381639.59), dbSNP rs1057521117, ClinGen allele CA16603588.